The following is an entry in ClinVar:

ClinVar aggregate classification (germline): Uncertain significance (1 of 4 stars; one submission).

Conditions:
Severe early-onset pulmonary alveolar proteinosis due to MARS deficiency. Also called: PULMONARY ALVEOLAR PROTEINOSIS, REUNION ISLAND; Interstitial lung and liver disease. Identifiers: Orphanet 440427, MedGen C4225400, MONDO:0014206, OMIM 615486.
Charcot-Marie-Tooth disease axonal type 2U. Also called: CHARCOT-MARIE-TOOTH NEUROPATHY, TYPE 2U; CHARCOT-MARIE-TOOTH DISEASE, AXONAL, AUTOSOMAL DOMINANT, TYPE 2U. Identifiers: Orphanet 397735, MedGen C4084821, MONDO:0014566, OMIM 616280.

Submission:

Labcorp Genetics (formerly Invitae), Labcorp
Classification: Uncertain significance for Charcot-Marie-Tooth disease axonal type 2U; Severe early-onset pulmonary alveolar proteinosis due to MARS deficiency. Last evaluated: 2022-08-06. Review status: criteria provided, single submitter. Criteria: Invitae Variant Classification Sherloc (09022015). Collection method: clinical testing. Allele origin: germline.
Comment: Algorithms developed to predict the effect of missense changes on protein structure and function (SIFT, PolyPhen-2, Align-GVGD) all suggest that this variant is likely to be tolerated. This sequence change replaces glycine, which is neutral and non-polar, with serine, which is neutral and polar, at codon 820 of the MARS protein (p.Gly820Ser). This variant is not present in population databases (gnomAD no frequency). This variant has not been reported in the literature in individuals affected with MARS-related conditions. In summary, the available evidence is currently insufficient to determine the role of this variant in disease. Therefore, it has been classified as a Variant of Uncertain Significance.

NM_004990.4(MARS1):c.2458G>A (p.Gly820Ser)

Gene: MARS1 (methionyl-tRNA synthetase 1; plus strand). Cytogenetic location: 12q13.3.
Variant type: single nucleotide variant.
Coding change: c.2458G>A on transcript NM_004990.4 (MANE Select); coding-DNA position 2458, G replaced by A.
Protein change: p.Gly820Ser; replaces glycine 820 with serine.
Molecular consequence: missense variant.
Genome position (GRCh38, 1-based): chr12:57,515,986, G>A. VCF-style: chr12-57515986-G-A. GRCh37 (hg19) VCF-style: chr12-57909769-G-A.
Other names: short protein forms G820S.
Identifiers: ClinVar variation 2149502 (VCV002149502.4), dbSNP rs2540321753, ClinGen allele CA385467133.